The following is an entry in ClinVar:

ClinVar aggregate classification (germline): Uncertain significance (1 of 4 stars; one submission).

Conditions:
Hereditary spastic paraplegia 3A (SPG3A). Also called: SPASTIC PARAPLEGIA 3, AUTOSOMAL DOMINANT; FAMILIAL SPASTIC PARAPLEGIA, AUTOSOMAL DOMINANT, 1; SPG3; STRUMPELL DISEASE; Spastic Paraplegia 3A; Spastic paraplegia 3A, autosomal dominant. Identifiers: Orphanet 100984, MedGen C2931355, MONDO:0008437, OMIM 182600.

gnomAD v4.1: 1 of 1,554,596 alleles (0.000064%); highest among the groups gnomAD compares: Non-Finnish European, 0.000089%; no homozygotes.

Submission:

Labcorp Genetics (formerly Invitae), Labcorp
Classification: Uncertain significance for Hereditary spastic paraplegia 3A. Last evaluated: 2024-12-08. Review status: criteria provided, single submitter. Criteria: Invitae Variant Classification Sherloc (09022015). Collection method: clinical testing. Allele origin: germline.
Comment: This sequence change falls in intron 10 of the ATL1 gene. It does not directly change the encoded amino acid sequence of the ATL1 protein. This variant is not present in population databases (gnomAD no frequency). This variant has not been reported in the literature in individuals affected with ATL1-related conditions. ClinVar contains an entry for this variant (Variation ID: 1400949). Algorithms developed to predict the effect of sequence changes on RNA splicing suggest that this variant may create or strengthen a splice site. In summary, the available evidence is currently insufficient to determine the role of this variant in disease. Therefore, it has been classified as a Variant of Uncertain Significance.

NM_015915.5(ATL1):c.1047+20C>T

Gene: ATL1 (atlastin GTPase 1; plus strand). Cytogenetic location: 14q22.1.
Variant type: single nucleotide variant.
Coding change: c.1047+20C>T on transcript NM_015915.5 (MANE Select); 20 bases into the intron after coding-DNA position 1047, C replaced by T.
Molecular consequence: intron variant.
Genome position (GRCh38, 1-based): chr14:50,621,919, C>T. VCF-style: chr14-50621919-C-T. GRCh37 (hg19) VCF-style: chr14-51088637-C-T.
Other names: c.1047+20C>T (NM_001127713.1, NM_181598.4).
Identifiers: ClinVar variation 1400949 (VCV001400949.7), dbSNP rs754774903, ClinGen allele CA2573149931.